The following is an entry in ClinVar:

ClinVar aggregate classification (germline): Conflicting classifications of pathogenicity. Review status: criteria provided, conflicting classifications (1 of 4 stars). 5 submissions from 5 submitters: Uncertain significance (1); Benign (1); Likely benign (2). 1 of the submissions does not count toward it. Last evaluated 2026-06-01.

Conditions:
CC2D1A-related disorder. Also called: CC2D1A-related condition.
Intellectual developmental disorder, autosomal recessive 3. Also called: Intellectual disability, autosomal recessive 3. Identifiers: Orphanet 88616, MedGen C1838023, MONDO:0012037, OMIM 608443.

Allele frequency attached by ClinVar (database versions not stated): gnomAD exomes 0.00050 and 0.00026; gnomAD 0.00001 and 0.00011; TOPMed 0.00001; 1000 Genomes Project 30x 0.00094; ExAC 0.00056; 1000 Genomes Project 0.00120.
gnomAD v4.1: 397 of 1,614,118 alleles (0.025%); highest among the groups gnomAD compares: South Asian, 0.38%; 4 homozygotes.

Submissions (5):

CeGaT Center for Human Genetics Tuebingen
Classification: Likely benign. Last evaluated: 2026-06-01. Review status: criteria provided, single submitter. Criteria: CeGaT Center For Human Genetics Tuebingen Variant Classification Criteria Version 2. Collection method: clinical testing. Allele origin: germline. Affected: yes. Observed: 1 variant allele.
Comment: CC2D1A: BS2

Labcorp Genetics (formerly Invitae), Labcorp
Classification: Benign. Last evaluated: 2025-08-30. Review status: criteria provided, single submitter. Criteria: Invitae Variant Classification Sherloc (09022015). Collection method: clinical testing. Allele origin: germline.

Genetic Services Laboratory, University of Chicago
Classification: Likely benign. Last evaluated: 2020-05-20. Review status: criteria provided, single submitter. Criteria: ACMG Guidelines, 2015. Collection method: clinical testing. Allele origin: germline. Affected: no.

Baylor Genetics
Classification: Uncertain significance for Intellectual developmental disorder, autosomal recessive 3. Last evaluated: 2019-11-20. Review status: criteria provided, single submitter. Criteria: ACMG Guidelines, 2015. Collection method: clinical testing. Allele origin: unknown. Affected: yes.
Comment: This variant was determined to be of uncertain significance according to ACMG Guidelines, 2015 [PMID:25741868].

PreventionGenetics, part of Exact Sciences
Classification: Likely benign for CC2D1A-related condition. Last evaluated: 2022-03-09. Review status: no assertion criteria provided. Collection method: clinical testing. Allele origin: germline. Not counted in ClinVar's aggregate classification.
Comment: This variant is classified as likely benign based on ACMG/AMP sequence variant interpretation guidelines (Richards et al. 2015 PMID: 25741868, with internal and published modifications).

NM_017721.5(CC2D1A):c.1597A>G (p.Met533Val)

Gene: CC2D1A (coiled-coil and C2 domain containing 1A; plus strand). Cytogenetic location: 19p13.12.
Variant type: single nucleotide variant.
Coding change: c.1597A>G on transcript NM_017721.5 (MANE Select); coding-DNA position 1597, A replaced by G.
Protein change: p.Met533Val; replaces methionine 533 with valine.
Molecular consequence: missense variant.
Genome position (GRCh38, 1-based): chr19:13,920,878, A>G. VCF-style: chr19-13920878-A-G. GRCh37 (hg19) VCF-style: chr19-14031691-A-G.
Other names: short protein forms M533V.
Identifiers: ClinVar variation 434603 (VCV000434603.15), dbSNP rs529368098, ClinGen allele CA9244723.